The following is an entry in ClinVar:

NM_005591.4(MRE11):c.886A>C (p.Met296Leu)

Gene: MRE11 (MRE11 double strand break repair nuclease; minus strand). Cytogenetic location: 11q21.
Variant type: single nucleotide variant.
Coding change: c.886A>C on transcript NM_005591.4 (MANE Select); coding-DNA position 886, A replaced by C.
Protein change: p.Met296Leu; replaces methionine 296 with leucine.
Molecular consequence: missense variant.
Genome position (GRCh38, 1-based): chr11:94,470,602, T>G on the plus strand (A>C on the coding strand, the complement: MRE11 is on the minus strand). VCF-style: chr11-94470602-T-G. GRCh37 (hg19) VCF-style: chr11-94203768-T-G.
Other names: c.886A>C, p.Met296Leu (NM_001330347.2, NM_005590.4); short protein forms M296L.
Identifiers: ClinVar variation 483635 (VCV000483635.5), dbSNP rs1555012795, ClinGen allele CA382374645.

ClinVar aggregate classification (germline): Uncertain significance (1 of 4 stars; one submission).

Conditions:
Hereditary cancer-predisposing syndrome. Also called: Neoplastic Syndromes, Hereditary; Tumor predisposition; Hereditary Cancer Syndrome; Hereditary neoplastic syndrome. Identifiers: Orphanet 140162, MedGen C0027672, MeSH D009386, MONDO:0015356.

Submission:

Ambry Genetics
Classification: Uncertain significance for Hereditary cancer-predisposing syndrome. Last evaluated: 2016-11-16. Review status: criteria provided, single submitter. Criteria: Ambry Variant Classification Scheme 2023. Collection method: clinical testing. Allele origin: germline.
Comment: The p.M296L variant (also known as c.886A>C), located in coding exon 8 of the MRE11A gene, results from an A to C substitution at nucleotide position 886. The methionine at codon 296 is replaced by leucine, an amino acid with highly similar properties. This variant was not reported in population based cohorts in the following databases: Database of Single Nucleotide Polymorphisms (dbSNP), NHLBI Exome Sequencing Project (ESP), and 1000 Genomes Project. In the ESP, this variant was not observed in 6498 samples (12996 alleles) with coverage at this position. To date, this alteration has been detected with an allele frequency of approximately 0.001% (greater than 175000 alleles tested) in our clinical cohort. This amino acid position is not well conserved in available vertebrate species. In addition, this alteration is predicted to be tolerated by in silico analysis. Since supporting evidence is limited at this time, the clinical significance of this alteration remains unclear.